The following is an entry in ClinVar:

NM_021930.6(RINT1):c.1121G>A (p.Arg374Gln)

Gene: RINT1 (RAD50 interactor 1; plus strand). Cytogenetic location: 7q22.3.
Variant type: single nucleotide variant.
Coding change: c.1121G>A on transcript NM_021930.6 (MANE Select); coding-DNA position 1121, G replaced by A.
Protein change: p.Arg374Gln; replaces arginine 374 with glutamine.
Molecular consequence: missense variant. On other transcripts: non-coding transcript variant (1).
Genome position (GRCh38, 1-based): chr7:105,550,274, G>A. VCF-style: chr7-105550274-G-A. GRCh37 (hg19) VCF-style: chr7-105190721-G-A.
Other names: c.1121G>A (NM_021930.4); c.887G>A, p.Arg296Gln (NM_001346599.2); c.98G>A, p.Arg33Gln (NM_001346600.2, NM_001346603.2); c.197G>A, p.Arg66Gln (NM_001346601.2); short protein forms R296Q, R33Q, R66Q, R374Q.
Identifiers: ClinVar variation 1043973 (VCV001043973.7), dbSNP rs764911768, ClinGen allele CA4426609.

ClinVar aggregate classification (germline): Uncertain significance. Review status: criteria provided, multiple submitters, no conflicts (2 of 4 stars). 2 submissions from 2 submitters: Uncertain significance (2). Last evaluated 2024-11-21.

Allele frequency attached by ClinVar (database versions not stated): gnomAD exomes 0.00001; ExAC 0.00002; gnomAD 0.00002; TOPMed 0.00003.

Submissions (2):

Labcorp Genetics (formerly Invitae), Labcorp
Classification: Uncertain significance. Last evaluated: 2024-11-21. Review status: criteria provided, single submitter. Criteria: Invitae Variant Classification Sherloc (09022015). Collection method: clinical testing. Allele origin: germline.
Comment: This sequence change replaces arginine, which is basic and polar, with glutamine, which is neutral and polar, at codon 374 of the RINT1 protein (p.Arg374Gln). This variant is present in population databases (rs764911768, gnomAD 0.007%). This missense change has been observed in individual(s) with breast cancer (PMID: 25050558). ClinVar contains an entry for this variant (Variation ID: 1043973). An algorithm developed to predict the effect of missense changes on protein structure and function (PolyPhen-2) suggests that this variant is likely to be disruptive. In summary, the available evidence is currently insufficient to determine the role of this variant in disease. Therefore, it has been classified as a Variant of Uncertain Significance.

Ambry Genetics
Classification: Uncertain significance. Last evaluated: 2024-03-11. Review status: criteria provided, single submitter. Criteria: Ambry Variant Classification Scheme 2023. Collection method: clinical testing. Allele origin: germline.
Comment: The p.R374Q variant (also known as c.1121G>A), located in coding exon 9 of the RINT1 gene, results from a G to A substitution at nucleotide position 1121. The arginine at codon 374 is replaced by glutamine, an amino acid with highly similar properties. This alteration has been reported in individuals diagnosed with early onset breast cancer (Young EL et al. J Med Genet, 2016 Jun;53:366-76; Park DJ et al. Cancer Discov, 2014 Jul;4:804-15). This amino acid position is highly conserved in available vertebrate species. In addition, the in silico prediction for this alteration is inconclusive. The evidence for this gene-disease relationship is limited; therefore, the clinical significance of this alteration is unclear.

Literature cited by the submitters: PubMed 25050558 (cited by Labcorp Genetics (formerly Invitae), Labcorp and Ambry Genetics); PubMed 26787654 (cited by Ambry Genetics).